The following is an entry in ClinVar:

ClinVar aggregate classification (germline): Uncertain significance (1 of 4 stars; one submission).

Allele frequency attached by ClinVar (database versions not stated): TOPMed below 0.00001.

Submission:

Labcorp Genetics (formerly Invitae), Labcorp
Classification: Uncertain significance. Last evaluated: 2022-08-15. Review status: criteria provided, single submitter. Criteria: Invitae Variant Classification Sherloc (09022015). Collection method: clinical testing. Allele origin: germline.
Comment: This sequence change replaces aspartic acid, which is acidic and polar, with asparagine, which is neutral and polar, at codon 163 of the MMP9 protein (p.Asp163Asn). This variant is not present in population databases (gnomAD no frequency). This variant has not been reported in the literature in individuals affected with MMP9-related conditions. ClinVar contains an entry for this variant (Variation ID: 1493307). Algorithms developed to predict the effect of missense changes on protein structure and function output the following: SIFT: "Tolerated"; PolyPhen-2: "Benign"; Align-GVGD: "Class C0". The asparagine amino acid residue is found in multiple mammalian species, which suggests that this missense change does not adversely affect protein function. In summary, the available evidence is currently insufficient to determine the role of this variant in disease. Therefore, it has been classified as a Variant of Uncertain Significance.

NM_004994.3(MMP9):c.487G>A (p.Asp163Asn)

Gene: MMP9 (matrix metallopeptidase 9; plus strand). Cytogenetic location: 20q13.12.
Variant type: single nucleotide variant.
Coding change: c.487G>A on transcript NM_004994.3 (MANE Select); coding-DNA position 487, G replaced by A.
Protein change: p.Asp163Asn; replaces aspartic acid 163 with asparagine.
Molecular consequence: missense variant.
Genome position (GRCh38, 1-based): chr20:46,010,598, G>A. VCF-style: chr20-46010598-G-A. GRCh37 (hg19) VCF-style: chr20-44639237-G-A.
Other names: short protein forms D163N.
Identifiers: ClinVar variation 1493307 (VCV001493307.6), dbSNP rs2084272390, ClinGen allele CA409212746.